The following is an entry in ClinVar:

NM_000368.5(TSC1):c.3364G>A (p.Gly1122Ser)

Gene: TSC1 (TSC complex subunit 1; minus strand). Cytogenetic location: 9q34.13.
Variant type: single nucleotide variant.
Coding change: c.3364G>A on transcript NM_000368.5 (MANE Select); coding-DNA position 3364, G replaced by A.
Protein change: p.Gly1122Ser; replaces glycine 1122 with serine.
Molecular consequence: missense variant.
Genome position (GRCh38, 1-based): chr9:132,896,366, C>T on the plus strand (G>A on the coding strand, the complement: TSC1 is on the minus strand). VCF-style: chr9-132896366-C-T. GRCh37 (hg19) VCF-style: chr9-135771753-C-T.
Other names: c.3361G>A, p.Gly1121Ser (NM_001162426.2); c.3211G>A, p.Gly1071Ser (NM_001162427.2); c.3001G>A, p.Gly1001Ser (NM_001362177.2); short protein forms G1122S, G1001S, G1121S, G1071S.
Identifiers: ClinVar variation 571549 (VCV000571549.19), dbSNP rs760918561, ClinGen allele CA036652.
Genomic context (GRCh38, chr9:132,896,366, plus strand): 5'-GAGACGGGTGAGGGCCATCTAGGTTCAGGGGAATCTTGGCTTCCACACCCAAGTCTTTGC[C>T]CAGTTCTGTCTTTAGGCTCTCAGAAAGGCTACTGGTCATGCCGTCCTCATCACACTGGCT-3'
Protein context (NP_000359.1, residues 1112-1132): SLSESLKTEL[Gly1122Ser]KDLGVEAKIP

ClinVar aggregate classification (germline): Conflicting classifications of pathogenicity. Review status: criteria provided, conflicting classifications (1 of 4 stars). 4 submissions from 4 submitters: Uncertain significance (1); Benign (1); Likely benign (2). Last evaluated 2025-10-29.

Conditions:
Hereditary cancer-predisposing syndrome. Also called: Hereditary neoplastic syndrome; Neoplastic Syndromes, Hereditary; Hereditary Cancer Syndrome; Tumor predisposition. Identifiers: Orphanet 140162, MedGen C0027672, MeSH D009386, MONDO:0015356.
Tuberous sclerosis 1 (TSC1). Identifiers: Orphanet 805, MedGen C1854465, MONDO:0008612, OMIM 191100.

Allele frequency attached by ClinVar (database versions not stated): gnomAD exomes below 0.00001 and 0.00001; ExAC 0.00001; TOPMed 0.00001; gnomAD 0.00002.
gnomAD v4.1: 19 of 1,614,052 alleles (0.0012%); highest among the groups gnomAD compares: Non-Finnish European, 0.0015%; no homozygotes.

Submissions (4):

Labcorp Genetics (formerly Invitae), Labcorp
Classification: Benign for Tuberous sclerosis 1. Last evaluated: 2025-10-29. Review status: criteria provided, single submitter. Criteria: Invitae Variant Classification Sherloc (09022015). Collection method: clinical testing. Allele origin: germline.

Quest Diagnostics Nichols Institute San Juan Capistrano
Classification: Uncertain significance. Last evaluated: 2024-08-12. Review status: criteria provided, single submitter. Criteria: Quest Diagnostics criteria. Collection method: clinical testing. Allele origin: unknown.
Comment: The TSC1 c.3364G>A (p.Gly1122Ser) variant has not been reported in individuals with TSC1-related conditions in the published literature. The frequency of this variant in the general population, 0.0000071 (2/282796 chromosomes (Genome Aggregation Database)), is uninformative in the assessment of its pathogenicity. Analysis of this variant using bioinformatics tools for the prediction of the effect of amino acid changes on protein structure and function yielded predictions that this variant is benign. Based on the available information, we are unable to determine the clinical significance of this variant.

Genome-Nilou Lab
Classification: Likely benign for Tuberous sclerosis 1. Last evaluated: 2021-11-07. Review status: criteria provided, single submitter. Criteria: ACMG Guidelines, 2015. Collection method: clinical testing. Allele origin: germline. Affected: no.

Ambry Genetics
Classification: Likely benign for Hereditary cancer-predisposing syndrome. Last evaluated: 2021-07-19. Review status: criteria provided, single submitter. Criteria: Ambry Variant Classification Scheme 2023. Collection method: clinical testing. Allele origin: germline.